The following is an entry in ClinVar:

NM_006073.4(TRDN):c.1246+317C>T

Gene: TRDN (triadin; minus strand). Cytogenetic location: 6q22.31.
Variant type: single nucleotide variant.
Coding change: c.1246+317C>T on transcript NM_006073.4 (MANE Select); 317 bases into the intron after coding-DNA position 1246, C replaced by T.
Molecular consequence: intron variant.
Genome position (GRCh38, 1-based): chr6:123,377,399, G>A on the plus strand (C>T on the coding strand, the complement: TRDN is on the minus strand). VCF-style: chr6-123377399-G-A. GRCh37 (hg19) VCF-style: chr6-123698544-G-A.
Other names: c.1249+317C>T (NM_001251987.2).
Identifiers: ClinVar variation 680832 (VCV000680832.1), dbSNP rs9401666, ClinGen allele CA12248477.

ClinVar aggregate classification (germline): Benign (1 of 4 stars; one submission).

Allele frequency attached by ClinVar (database versions not stated): TOPMed 0.18408; 1000 Genomes Project 0.30411; 1000 Genomes Project 30x 0.29247.
gnomAD v4.1: 28,122 of 152,094 alleles (18%); highest among the groups gnomAD compares: East Asian, 66%; 3,751 homozygotes.

Submission:

GeneDx
Classification: Benign. Last evaluated: 2018-06-14. Review status: criteria provided, single submitter. Criteria: GeneDx Variant Classification (06012015). Collection method: clinical testing. Allele origin: germline. Affected: yes.
Comment: This variant is considered likely benign or benign based on one or more of the following criteria: it is a conservative change, it occurs at a poorly conserved position in the protein, it is predicted to be benign by multiple in silico algorithms, and/or has population frequency not consistent with disease.